The following is an entry in ClinVar:

NM_001388492.1(HTT):c.207G>A (p.Pro69=)

Gene: HTT (huntingtin; plus strand). Cytogenetic location: 4p16.3.
Variant type: single nucleotide variant.
Coding change: c.207G>A on transcript NM_001388492.1 (MANE Select); coding-DNA position 207, G replaced by A.
Protein change: p.Pro69=; no amino-acid change (proline 69 retained).
Molecular consequence: synonymous variant.
Genome position (GRCh38, 1-based): chr4:3,075,032, G>A. VCF-style: chr4-3075032-G-A. GRCh37 (hg19) VCF-style: chr4-3076759-G-A.
Other names: c.213G>A, p.Pro71= (NM_002111.8).
Identifiers: ClinVar variation 3778235 (VCV003778235.7).

ClinVar aggregate classification (germline): Likely benign (1 of 4 stars; one submission).

gnomAD v4.1: 8 of 1,242,246 alleles (0.00064%); highest among the groups gnomAD compares: Admixed American, 0.0043%; no homozygotes.

Submission:

CeGaT Center for Human Genetics Tuebingen
Classification: Likely benign. Last evaluated: 2025-03-01. Review status: criteria provided, single submitter. Criteria: CeGaT Center For Human Genetics Tuebingen Variant Classification Criteria Version 2. Collection method: clinical testing. Allele origin: germline. Affected: yes. Observed: 1 variant allele.
Comment: HTT: BP4, BP7